The following is an entry in ClinVar:

ClinVar aggregate classification (germline): Uncertain significance (1 of 4 stars; one submission).

Allele frequency attached by ClinVar (database versions not stated): gnomAD exomes 0.00001; gnomAD 0.00001; TOPMed 0.00001.
gnomAD v4.1: 8 of 1,439,866 alleles (0.00056%); highest among the groups gnomAD compares: Non-Finnish European, 0.00073%; no homozygotes.

Submission:

Ambry Genetics
Classification: Uncertain significance. Last evaluated: 2025-11-11. Review status: criteria provided, single submitter. Criteria: Ambry Variant Classification Scheme 2023. Collection method: clinical testing. Allele origin: germline.
Comment: The p.P85S variant (also known as c.253C>T), located in coding exon 1 of the EGLN1 gene, results from a C to T substitution at nucleotide position 253. The proline at codon 85 is replaced by serine, an amino acid with similar properties. This amino acid position is conserved. In addition, this alteration is predicted to be tolerated by in silico analysis. Since supporting evidence is limited at this time, the clinical significance of this alteration remains unclear.

NM_022051.3(EGLN1):c.253C>T (p.Pro85Ser)

Gene: EGLN1 (egl-9 family hypoxia inducible factor 1; minus strand). Cytogenetic location: 1q42.2.
Variant type: single nucleotide variant.
Coding change: c.253C>T on transcript NM_022051.3 (MANE Select); coding-DNA position 253, C replaced by T.
Protein change: p.Pro85Ser; replaces proline 85 with serine.
Molecular consequence: missense variant.
Genome position (GRCh38, 1-based): chr1:231,421,636, G>A on the plus strand (C>T on the coding strand, the complement: EGLN1 is on the minus strand). VCF-style: chr1-231421636-G-A. GRCh37 (hg19) VCF-style: chr1-231557382-G-A.
Other names: c.253C>T, p.Pro85Ser (NM_001377260.1, NM_001377261.1); short protein forms P85S.
Identifiers: ClinVar variation 2562040 (VCV002562040.3), dbSNP rs886046111, ClinGen allele CA345238262.